The following is an entry in ClinVar:

ClinVar aggregate classification (germline): Uncertain significance (1 of 4 stars; one submission).

Allele frequency attached by ClinVar (database versions not stated): gnomAD exomes below 0.00001; TOPMed 0.00001; ESP Exome Variant Server 0.00008.

Submission:

Labcorp Genetics (formerly Invitae), Labcorp
Classification: Uncertain significance. Last evaluated: 2022-11-24. Review status: criteria provided, single submitter. Criteria: Invitae Variant Classification Sherloc (09022015). Collection method: clinical testing. Allele origin: germline.
Comment: This sequence change replaces glutamic acid, which is acidic and polar, with lysine, which is basic and polar, at codon 69 of the APOC2 protein (p.Glu69Lys). This variant is not present in population databases (gnomAD no frequency). This variant has not been reported in the literature in individuals affected with APOC2-related conditions. Algorithms developed to predict the effect of missense changes on protein structure and function (SIFT, PolyPhen-2, Align-GVGD) all suggest that this variant is likely to be disruptive. In summary, the available evidence is currently insufficient to determine the role of this variant in disease. Therefore, it has been classified as a Variant of Uncertain Significance.

NM_000483.5(APOC2):c.205G>A (p.Glu69Lys)

Genes: APOC2 (apolipoprotein C2; plus strand), APOC4-APOC2 (APOC4-APOC2 readthrough (NMD candidate); plus strand). Cytogenetic location: 19q13.32.
Variant type: single nucleotide variant.
Coding change: c.205G>A on transcript NM_000483.5 (MANE Select); coding-DNA position 205, G replaced by A.
Protein change: p.Glu69Lys; replaces glutamic acid 69 with lysine.
Molecular consequence: missense variant. On other transcripts: non-coding transcript variant (1).
Genome position (GRCh38, 1-based): chr19:44,948,850, G>A. VCF-style: chr19-44948850-G-A. GRCh37 (hg19) VCF-style: chr19-45452107-G-A.
Other names: short protein forms E69K.
Identifiers: ClinVar variation 1964178 (VCV001964178.5), dbSNP rs148445956, ClinGen allele CA308875910.